The following is an entry in ClinVar:

ClinVar aggregate classification (germline): Uncertain significance (1 of 4 stars; one submission).

Conditions:
Hereditary breast ovarian cancer syndrome. Also called: Hereditary breast and ovarian cancer; Hereditary breast and/or ovarian cancer syndrome; BRCA1- and BRCA2-Associated Hereditary Breast and Ovarian Cancer; Hereditary breast and ovarian cancer syndrome; Hereditary breast and ovarian cancer syndrome (HBOC); Breast and ovarian cancer. Identifiers: Orphanet 145, MedGen C0677776, MeSH D061325, MONDO:0003582. Disease mechanism: loss of function.

Allele frequency attached by ClinVar (database versions not stated): gnomAD exomes below 0.00001.

Submission:

Labcorp Genetics (formerly Invitae), Labcorp
Classification: Uncertain significance for Hereditary breast ovarian cancer syndrome. Last evaluated: 2023-10-28. Review status: criteria provided, single submitter. Criteria: Invitae Variant Classification Sherloc (09022015). Collection method: clinical testing. Allele origin: germline.
Comment: This sequence change replaces aspartic acid, which is acidic and polar, with asparagine, which is neutral and polar, at codon 2661 of the BRCA2 protein (p.Asp2661Asn). This variant is present in population databases (no rsID available, gnomAD 0.0009%). This variant has not been reported in the literature in individuals affected with BRCA2-related conditions. ClinVar contains an entry for this variant (Variation ID: 1362627). Advanced modeling of protein sequence and biophysical properties (such as structural, functional, and spatial information, amino acid conservation, physicochemical variation, residue mobility, and thermodynamic stability) performed at Invitae indicates that this missense variant is not expected to disrupt BRCA2 protein function with a negative predictive value of 95%. In summary, the available evidence is currently insufficient to determine the role of this variant in disease. Therefore, it has been classified as a Variant of Uncertain Significance.

NM_000059.4(BRCA2):c.7981G>A (p.Asp2661Asn)

Gene: BRCA2 (BRCA2 DNA repair associated; plus strand). Cytogenetic location: 13q13.1.
Variant type: single nucleotide variant.
Coding change: c.7981G>A on transcript NM_000059.4 (MANE Select); coding-DNA position 7981, G replaced by A.
Protein change: p.Asp2661Asn; replaces aspartic acid 2661 with asparagine.
Molecular consequence: missense variant.
Genome position (GRCh38, 1-based): chr13:32,363,183, G>A. VCF-style: chr13-32363183-G-A. GRCh37 (hg19) VCF-style: chr13-32937320-G-A.
Other names: short protein forms D2661N.
Identifiers: ClinVar variation 1362627 (VCV001362627.6), dbSNP rs1228328393, ClinGen allele CA387748498.
Genomic context (GRCh38, chr13:32,363,183, plus strand): 5'-CAGTGGAATTCTAGAGTCACACTTCCTAAAATATGCATTTTTGTTTTCACTTTTAGATAT[G>A]ATACGGAAATTGATAGAAGCAGAAGATCGGCTATAAAAAAGATAATGGAAAGGGATGACA-3'
Protein context (NP_000050.3, residues 2651-2671): RVLLQLKYRY[Asp2661Asn]TEIDRSRRSA